The following is an entry in ClinVar:

NM_032578.4(MYPN):c.1475C>T (p.Ala492Val)

Gene: MYPN (myopalladin; plus strand). Cytogenetic location: 10q21.3.
Variant type: single nucleotide variant.
Coding change: c.1475C>T on transcript NM_032578.4 (MANE Select); coding-DNA position 1475, C replaced by T.
Protein change: p.Ala492Val; replaces alanine 492 with valine.
Molecular consequence: missense variant. On other transcripts: non-coding transcript variant (1).
Genome position (GRCh38, 1-based): chr10:68,161,744, C>T. VCF-style: chr10-68161744-C-T. GRCh37 (hg19) VCF-style: chr10-69921501-C-T.
Other names: c.1475C>T, p.Ala492Val (NM_001256267.2); c.593C>T, p.Ala198Val (NM_001256268.2); short protein forms A492V, A198V.
Identifiers: ClinVar variation 1773451 (VCV001773451.5), dbSNP rs746010494, ClinGen allele CA5522564.
Genomic context (GRCh38, chr10:68,161,744, plus strand): 5'-TCAGTAAAATAAATGCTCAGAATCTTTTACTTTCTTTTCTTTTAGAACCTCGATCCATGG[C>T]AGAGCCAGGTAAAGATGATTTCAACTTTAATTTATTAGTATATGAGTGATTTTATATATA-3'
Protein context (NP_115967.2, residues 482-502): RILQKKPRSM[Ala492Val]EPEEICTLVI

ClinVar aggregate classification (germline): Uncertain significance. Review status: criteria provided, multiple submitters, no conflicts (2 of 4 stars). 2 submissions from 2 submitters: Uncertain significance (2). Last evaluated 2022-01-05.

Conditions:
Cardiovascular phenotype. Identifiers: MedGen CN230736.
Dilated cardiomyopathy 1KK (CMD1KK). Identifiers: Orphanet 154, Orphanet 75249, MedGen C3714995, MONDO:0014100, OMIM 615248.

Allele frequency attached by ClinVar (database versions not stated): TOPMed below 0.00001; ExAC 0.00004.
gnomAD v4.1: 31 of 1,610,326 alleles (0.0019%); highest among the groups gnomAD compares: South Asian, 0.025%; no homozygotes.

Submissions (2):

Labcorp Genetics (formerly Invitae), Labcorp
Classification: Uncertain significance for Dilated cardiomyopathy 1KK. Last evaluated: 2022-01-05. Review status: criteria provided, single submitter. Criteria: Invitae Variant Classification Sherloc (09022015). Collection method: clinical testing. Allele origin: germline.
Comment: This sequence change replaces alanine, which is neutral and non-polar, with valine, which is neutral and non-polar, at codon 492 of the MYPN protein (p.Ala492Val). This variant is present in population databases (rs746010494, gnomAD 0.04%). In summary, the available evidence is currently insufficient to determine the role of this variant in disease. Therefore, it has been classified as a Variant of Uncertain Significance. Algorithms developed to predict the effect of sequence changes on RNA splicing suggest that this variant may create or strengthen a splice site. Algorithms developed to predict the effect of missense changes on protein structure and function are either unavailable or do not agree on the potential impact of this missense change (SIFT: "Deleterious"; PolyPhen-2: "Possibly Damaging"; Align-GVGD: "Class C0"). This missense change has been observed in individual(s) with dilated cardiomyopathy (PMID: 31983221).

Ambry Genetics
Classification: Uncertain significance for Cardiovascular phenotype. Last evaluated: 2021-05-01. Review status: criteria provided, single submitter. Criteria: Ambry Variant Classification Scheme 2023. Collection method: clinical testing. Allele origin: germline.
Comment: The p.A492V variant (also known as c.1475C>T), located in coding exon 7 of the MYPN gene, results from a C to T substitution at nucleotide position 1475. The alanine at codon 492 is replaced by valine, an amino acid with similar properties. This variant was reported in one individual from a dilated cardiomyopathy (DCM) cohort; however, clinical details were limited (Mazzarotto F et al. Circulation, 2020 02;141:387-398). This amino acid position is highly conserved in available vertebrate species. In addition, the in silico prediction for this alteration is inconclusive. Since supporting evidence is limited at this time, the clinical significance of this alteration remains unclear.

Literature cited by the submitters: PubMed 31983221 (cited by Labcorp Genetics (formerly Invitae), Labcorp and Ambry Genetics).